The following is an entry in ClinVar:

NM_015046.7(SETX):c.3047T>C (p.Ile1016Thr)

Gene: SETX (senataxin; minus strand). Cytogenetic location: 9q34.13.
Variant type: single nucleotide variant.
Coding change: c.3047T>C on transcript NM_015046.7 (MANE Select); coding-DNA position 3047, T replaced by C.
Protein change: p.Ile1016Thr; replaces isoleucine 1016 with threonine.
Molecular consequence: missense variant.
Genome position (GRCh38, 1-based): chr9:132,328,551, A>G on the plus strand (T>C on the coding strand, the complement: SETX is on the minus strand). VCF-style: chr9-132328551-A-G. GRCh37 (hg19) VCF-style: chr9-135203938-A-G.
Other names: c.3047T>C, p.Ile1016Thr (NM_001351527.2, NM_001351528.2); short protein forms I1016T.
Identifiers: ClinVar variation 981030 (VCV000981030.8), dbSNP rs200856903, ClinGen allele CA5297489.

ClinVar aggregate classification (germline): Uncertain significance. Review status: criteria provided, multiple submitters, no conflicts (2 of 4 stars). 5 submissions from 4 submitters: Uncertain significance (5). Last evaluated 2025-09-25.

Conditions:
Inborn genetic diseases. Identifiers: MedGen C0950123, MeSH D030342.
Amyotrophic lateral sclerosis (ALS). Also called: Charcot disease; Lou Gehrig disease. Identifiers: Orphanet 803, MedGen C0002736, MONDO:0004976, HP:0007354.
Spinocerebellar ataxia, autosomal recessive, with axonal neuropathy 2 (SCAN2). Also called: ATAXIA-OCULOMOTOR APRAXIA 2; Ataxia-ocular apraxia-2; Ataxia with Oculomotor Apraxia; Ataxia with Oculomotor Apraxia Type 2. Identifiers: Orphanet 64753, MedGen C1853761, MONDO:0018996, OMIM 606002.
Amyotrophic lateral sclerosis type 4 (ALS4). Also called: AMYOTROPHIC LATERAL SCLEROSIS 4, JUVENILE; NEURONOPATHY, DISTAL HEREDITARY MOTOR, WITH PYRAMIDAL FEATURES. Identifiers: Orphanet 357043, MedGen C1865409, MONDO:0011223, OMIM 602433.

Allele frequency attached by ClinVar (database versions not stated): gnomAD 0.00001 and 0.00002; gnomAD exomes 0.00001; TOPMed 0.00001; ExAC 0.00002.
gnomAD v4.1: 13 of 1,614,020 alleles (0.00081%); highest among the groups gnomAD compares: Middle Eastern, 0.033%; no homozygotes.

Submissions (5):

Ambry Genetics
Classification: Uncertain significance for Inborn genetic diseases. Last evaluated: 2025-09-25. Review status: criteria provided, single submitter. Criteria: Ambry Variant Classification Scheme 2023. Collection method: clinical testing. Allele origin: germline.

Genome-Nilou Lab
Classification: Uncertain significance for Spinocerebellar ataxia, autosomal recessive, with axonal neuropathy 2. Last evaluated: 2023-02-08. Review status: criteria provided, single submitter. Criteria: ACMG Guidelines, 2015. Collection method: clinical testing. Allele origin: germline.

Genome-Nilou Lab
Classification: Uncertain significance for Amyotrophic lateral sclerosis type 4. Last evaluated: 2023-02-08. Review status: criteria provided, single submitter. Criteria: ACMG Guidelines, 2015. Collection method: clinical testing. Allele origin: germline.

UM ALS/MND Lab, University Of Malta
Classification: Uncertain significance for Amyotrophic lateral sclerosis. Last evaluated: 2020-09-09. Review status: criteria provided, single submitter. Criteria: ACMG Guidelines, 2015. Collection method: case-control. Allele origin: unknown. Affected: yes. Observed: 1 variant allele.
Comment: Single heterozygote

Breakthrough Genomics
Classification: Uncertain significance. Review status: criteria provided, single submitter. Criteria: ACMG Guidelines, 2015. Collection method: not provided. Allele origin: germline. Inheritance: Autosomal recessive inheritance. Affected: yes.